The following is an entry in ClinVar:

NM_001130987.2(DYSF):c.5267G>A (p.Arg1756Gln)

Gene: DYSF (dysferlin; plus strand). Cytogenetic location: 2p13.2.
Variant type: single nucleotide variant.
Coding change: c.5267G>A on transcript NM_001130987.2 (MANE Select); coding-DNA position 5267, G replaced by A.
Protein change: p.Arg1756Gln; replaces arginine 1756 with glutamine.
Molecular consequence: missense variant.
Genome position (GRCh38, 1-based): chr2:71,665,254, G>A. VCF-style: chr2-71665254-G-A. GRCh37 (hg19) VCF-style: chr2-71892384-G-A.
Other names: c.5153G>A, p.Arg1718Gln (NM_001130455.2); c.5108G>A, p.Arg1703Gln (NM_001130976.2); c.5171G>A, p.Arg1724Gln (NM_001130977.2); c.5213G>A, p.Arg1738Gln (NM_001130978.2); c.5243G>A, p.Arg1748Gln (NM_001130979.2); c.5201G>A, p.Arg1734Gln (NM_001130980.2); c.5264G>A, p.Arg1755Gln (NM_001130981.2); c.5246G>A, p.Arg1749Gln (NM_001130982.2); and 5 more; short protein forms R1756Q, R1717Q, R1734Q, R1735Q, R1724Q, R1725Q, R1739Q, R1749Q.
Identifiers: ClinVar variation 573556 (VCV000573556.19), dbSNP rs957111625, ClinGen allele CA49767324.
Genomic context (GRCh38, chr2:71,665,254, plus strand): 5'-GCCCCTCCCAGCTCCTCCACCTCTTCTGCCAGCAGCATAGAGTCAAGGCACCTGTGTACC[G>A]GACAGACCGTGTAATGTTTCAGGATAAAGAATATTCCATTGAAGAGATAGGTGAGCTGCC-3'
Protein context (NP_001124459.1, residues 1746-1766): QQHRVKAPVY[Arg1756Gln]TDRVMFQDKE

ClinVar aggregate classification (germline): Conflicting classifications of pathogenicity. Review status: criteria provided, conflicting classifications (1 of 4 stars). 5 submissions from 5 submitters: Uncertain significance (3); Likely benign (1). 1 of the submissions does not count toward it. Last evaluated 2025-08-14.

Conditions:
Neuromuscular disease caused by qualitative or quantitative defects of dysferlin. Also called: Dysferlinopathy; Qualitative or quantitative defects of dysferlin. Identifiers: Orphanet 207073, MedGen C2931687, MONDO:0016145.
Autosomal recessive limb-girdle muscular dystrophy type 2B (LGMDR2). Also called: Limb-Girdle Muscular Dystrophy Type 2B (LGMD2B); MUSCULAR DYSTROPHY, LIMB-GIRDLE, TYPE 3; Limb-girdle muscular dystrophy, type 2B; MUSCULAR DYSTROPHY, LIMB-GIRDLE, AUTOSOMAL RECESSIVE 2. Identifiers: Orphanet 268, MedGen C1850889, MONDO:0009676, OMIM 253601.
Inborn genetic diseases. Identifiers: MedGen C0950123, MeSH D030342.
Distal myopathy with anterior tibial onset. Identifiers: Orphanet 178400, MedGen C1847532, MONDO:0011721, OMIM 606768.
Miyoshi muscular dystrophy 1 (MMD1). Identifiers: Orphanet 45448, MedGen C4551973, MONDO:0024545, OMIM 254130.

Allele frequency attached by ClinVar (database versions not stated): gnomAD 0.00002; gnomAD exomes 0.00002; TOPMed 0.00006.
gnomAD v4.1: 35 of 1,614,024 alleles (0.0022%); highest among the groups gnomAD compares: African/African-American, 0.008%; no homozygotes.

Submissions (5):

Ambry Genetics
Classification: Uncertain significance for Inborn genetic diseases. Last evaluated: 2025-08-14. Review status: criteria provided, single submitter. Criteria: Ambry Variant Classification Scheme 2023. Collection method: clinical testing. Allele origin: germline.

CeGaT Center for Human Genetics Tuebingen
Classification: Uncertain significance. Last evaluated: 2025-07-01. Review status: criteria provided, single submitter. Criteria: CeGaT Center For Human Genetics Tuebingen Variant Classification Criteria Version 2. Collection method: clinical testing. Allele origin: germline. Affected: yes. Observed: 1 variant allele.
Comment: DYSF: PM2, PM5, BP4

Labcorp Genetics (formerly Invitae), Labcorp
Classification: Likely benign for Neuromuscular disease caused by qualitative or quantitative defects of dysferlin. Last evaluated: 2024-01-24. Review status: criteria provided, single submitter. Criteria: Invitae Variant Classification Sherloc (09022015). Collection method: clinical testing. Allele origin: germline.

Fulgent Genetics
Classification: Uncertain significance for Autosomal recessive limb-girdle muscular dystrophy type 2B; Miyoshi muscular dystrophy 1; Distal myopathy with anterior tibial onset. Last evaluated: 2021-07-01. Review status: criteria provided, single submitter. Criteria: ACMG Guidelines, 2015. Collection method: clinical testing. Allele origin: unknown.

Natera, Inc.
Classification: Uncertain significance for Limb-girdle muscular dystrophy type 2B. Last evaluated: 2020-09-16. Review status: no assertion criteria provided. Collection method: clinical testing. Allele origin: germline. Not counted in ClinVar's aggregate classification.